The following is an entry in ClinVar:

NM_007294.4(BRCA1):c.4741G>C (p.Glu1581Gln)

Gene: BRCA1 (BRCA1 DNA repair associated; minus strand). Cytogenetic location: 17q21.31.
Variant type: single nucleotide variant.
Coding change: c.4741G>C on transcript NM_007294.4 (MANE Select); coding-DNA position 4741, G replaced by C.
Protein change: p.Glu1581Gln; replaces glutamic acid 1581 with glutamine.
Molecular consequence: missense variant. On other transcripts: intron variant (1).
Genome position (GRCh38, 1-based): chr17:43,071,173, C>G on the plus strand (G>C on the coding strand, the complement: BRCA1 is on the minus strand). VCF-style: chr17-43071173-C-G. GRCh37 (hg19) VCF-style: chr17-41223190-C-G.
Other names: c.4597G>C, p.Glu1533Gln (NM_001407751.1, NM_001407752.1, NM_001407943.1 and 21 more transcripts); c.4594G>C, p.Glu1532Gln (NM_001407838.1, NM_001407839.1, NM_001407841.1 and 12 more transcripts); c.4741G>C, p.Glu1581Gln (NM_001407854.1, NM_001407593.1, NM_001407594.1 and 8 more transcripts); c.4738G>C, p.Glu1580Gln (NM_001407858.1, NM_001407859.1, NM_001407860.1 and 17 more transcripts); c.4735G>C, p.Glu1579Gln (NM_001407861.1, NM_001407627.1, NM_001407628.1 and 14 more transcripts); c.4540G>C, p.Glu1514Gln (NM_001407862.1); c.4615G>C, p.Glu1539Gln (NM_001407863.1, NM_001407939.1, NM_001407940.1 and 11 more transcripts); c.4534G>C, p.Glu1512Gln (NM_001407874.1, NM_001407875.1); and 71 more; short protein forms E1412Q, E1454Q, E1468Q, E1470Q, E1493Q, E1512Q, E1537Q, E1555Q.
Identifiers: ClinVar variation 2450674 (VCV002450674.5), dbSNP rs397509193, ClinGen allele CA10592028.

ClinVar aggregate classification (germline): Uncertain significance. Review status: criteria provided, multiple submitters, no conflicts (2 of 4 stars). 3 submissions from 3 submitters: Uncertain significance (3). Last evaluated 2025-07-09.

Conditions:
Hereditary cancer-predisposing syndrome. Also called: Neoplastic Syndromes, Hereditary; Tumor predisposition; Hereditary Cancer Syndrome; Hereditary neoplastic syndrome. Identifiers: Orphanet 140162, MedGen C0027672, MeSH D009386, MONDO:0015356.
Fanconi anemia, complementation group S (FANCS). Identifiers: MedGen C4554406, MONDO:0054748, OMIM 617883.
Pancreatic cancer, susceptibility to, 4. Identifiers: Orphanet 1333, MedGen C3280442, MONDO:0013685, OMIM 614320.
Breast-ovarian cancer, familial, susceptibility to, 1 (BROVCA1). Also called: BRCA1 Hereditary Breast and Ovarian Cancer; OVARIAN CANCER, SUSCEPTIBILITY TO. Identifiers: Orphanet 145, MedGen C2676676, MONDO:0011450, OMIM 604370. Disease mechanism: loss of function.

Submissions (3):

Ambry Genetics
Classification: Uncertain significance for Hereditary cancer-predisposing syndrome. Last evaluated: 2025-07-09. Review status: criteria provided, single submitter. Criteria: Ambry Variant Classification Scheme 2023. Collection method: clinical testing. Allele origin: germline.
Comment: The p.E1581Q variant (also known as c.4741G>C), located in coding exon 14 of the BRCA1 gene, results from a G to C substitution at nucleotide position 4741. The glutamic acid at codon 1581 is replaced by glutamine, an amino acid with highly similar properties. This amino acid position is well conserved in available vertebrate species. In addition, the in silico prediction for this alteration is inconclusive. Since supporting evidence is limited at this time, the clinical significance of this alteration remains unclear.

Fulgent Genetics
Classification: Uncertain significance for Breast-ovarian cancer, familial, susceptibility to, 1; Pancreatic cancer, susceptibility to, 4; Fanconi anemia, complementation group S. Last evaluated: 2024-05-23. Review status: criteria provided, single submitter. Criteria: ACMG Guidelines, 2015. Collection method: clinical testing. Allele origin: germline.

Department of Pathology and Laboratory Medicine, Sinai Health System
Classification: Uncertain significance for Fanconi anemia, complementation group S. Last evaluated: 2020-11-16. Review status: criteria provided, single submitter. Criteria: ACMG Guidelines, 2015. Collection method: clinical testing. Allele origin: germline. Affected: no.